The following is an entry in ClinVar:

ClinVar aggregate classification (germline): Likely pathogenic (1 of 4 stars; one submission).

Submission:

GeneDx
Classification: Likely pathogenic. Last evaluated: 2019-06-29. Review status: criteria provided, single submitter. Criteria: GeneDx Variant Classification Process June 2021. Collection method: clinical testing. Allele origin: germline. Affected: yes.
Comment: Not observed in large population cohorts (Lek et al., 2016); In silico analysis, which includes protein predictors and evolutionary conservation, supports a deleterious effect; Has not been previously published as pathogenic or benign to our knowledge

NM_000183.3(HADHB):c.1258T>G (p.Trp420Gly)

Gene: HADHB (hydroxyacyl-CoA dehydrogenase trifunctional multienzyme complex subunit beta; plus strand). Cytogenetic location: 2p23.3.
Variant type: single nucleotide variant.
Coding change: c.1258T>G on transcript NM_000183.3 (MANE Select); coding-DNA position 1258, T replaced by G.
Protein change: p.Trp420Gly; replaces tryptophan 420 with glycine.
Molecular consequence: missense variant.
Genome position (GRCh38, 1-based): chr2:26,285,440, T>G. VCF-style: chr2-26285440-T-G. GRCh37 (hg19) VCF-style: chr2-26508308-T-G.
Other names: c.1213T>G, p.Trp405Gly (NM_001281512.2); c.1192T>G, p.Trp398Gly (NM_001281513.2); short protein forms W420G, W398G, W405G.
Identifiers: ClinVar variation 429515 (VCV000429515.3), dbSNP rs1131691427, ClinGen allele CA346096282.